The following is an entry in ClinVar:

NM_000051.4(ATM):c.9003T>C (p.Ser3001=)

Genes: ATM (ATM serine/threonine kinase; plus strand), C11orf65 (chromosome 11 open reading frame 65; minus strand). Cytogenetic location: 11q22.3.
Variant type: single nucleotide variant.
Coding change: c.9003T>C on transcript NM_000051.4 (MANE Select); coding-DNA position 9003, T replaced by C.
Protein change: p.Ser3001=; no amino-acid change (serine 3001 retained).
Molecular consequence: synonymous variant. On other transcripts: intron variant (2).
Genome position (GRCh38, 1-based): chr11:108,365,340, T>C. VCF-style: chr11-108365340-T-C. GRCh37 (hg19) VCF-style: chr11-108236067-T-C.
Other names: c.9003T>C, p.Ser3001= (NM_001351834.2); c.640+20580A>G (NM_001330368.2); c.694+20580A>G (NM_001351110.2).
Identifiers: ClinVar variation 3253865 (VCV003253865.1), dbSNP rs2137905819.
Genomic context (GRCh38, chr11:108,365,340, plus strand): 5'-TTTAAACTGTTCACCTCACTGAAACCTTTGTGTTTTTGTCCTTAGTGATATTGACCAGAG[T>C]TTCAACAAAGTAGCTGAACGTGTCTTAATGAGACTACAAGAGAAACTGAAAGGAGTGGAA-3'
Protein context (NP_000042.3, residues 2991-3011): CKRNLSDIDQ[Ser3001=]FNKVAERVLM

ClinVar aggregate classification (germline): Benign (1 of 4 stars; one submission).

Conditions:
Familial cancer of breast. Also called: hereditary breast carcinoma; BREAST CANCER, FAMILIAL; Hereditary breast cancer. Identifiers: Orphanet 227535, MedGen C0346153, MONDO:0016419, OMIM 114480. Disease mechanism: loss of function.

Submission:

Myriad Genetics, Inc.
Classification: Benign for Familial cancer of breast. Last evaluated: 2024-06-24. Review status: criteria provided, single submitter. Criteria: Myriad Autosomal Dominant, Autosomal Recessive and X-Linked Classification Criteria (2023). Collection method: clinical testing. Allele origin: unknown.
Comment: This variant is considered benign. This variant is a silent/synonymous amino acid change and it is not expected to impact splicing.